The following is an entry in ClinVar:

ClinVar aggregate classification (germline): Pathogenic (1 of 4 stars; one submission).

Conditions:
Mucopolysaccharidosis, MPS-IV-A (MPS4A). Also called: Mucopolysaccharidosis type IV A; Mucopolysaccharidosis Type IVA; Morquio syndrome A, mild; MORQUIO SYNDROME A; MPS IVA; mucopolysaccharidosis type 4A. Identifiers: Orphanet 309297, Orphanet 582, MedGen C0086651, MONDO:0009659, OMIM 253000.

Allele frequency attached by ClinVar (database versions not stated): gnomAD exomes below 0.00001; ExAC 0.00001.

Submission:

Laboratory of Diagnosis and Therapy of Lysosomal Disorders, University of Padova
Classification: Pathogenic for Mucopolysaccharidosis, MPS-IV-A. Last evaluated: 2021-02-01. Review status: criteria provided, single submitter. Criteria: ACMG Guidelines, 2015. Collection method: curation. Allele origin: germline. Affected: yes.
Comment: Splicing variant in canonical site (PVS1_very strong); the prevalence of the variant in affected individuals is significantly increased compared with the prevalence in controls (PS4_supporting); very low frequency in gnomAD v2.1.1 (PM2_moderate)

Literature cited by the submitters: PubMed 16287098; PubMed 34387910.

NM_000512.5(GALNS):c.422+2_422+8del

Gene: GALNS (galactosamine (N-acetyl)-6-sulfatase; minus strand). Cytogenetic location: 16q24.3.
Variant type: Deletion.
Coding change: c.422+2_422+8del on transcript NM_000512.5 (MANE Select); the canonical splice donor site of the intron after coding-DNA position 422 through 8 bases into the intron after coding-DNA position 422, 7 bases deleted (TAAGTCT; older notation c.422+2_422+8delTAAGTCT).
Molecular consequence: splice donor variant.
Genome position (GRCh38, 1-based): chr16:88,840,984-88,840,990, AGACTTA deleted on the plus strand (TAAGTCT on the coding strand, the reverse complement: GALNS is on the minus strand). VCF-style (leftmost placement, unchanged base first): chr16-88840983-GAGACTTA-G. GRCh37 (hg19) VCF-style: chr16-88907391-GAGACTTA-G.
Other names: c.-134+2_-134+8del (NM_001323543.2); c.440+2_440+8del (NM_001323544.2).
Identifiers: ClinVar variation 1048400 (VCV001048400.3), dbSNP rs764529662, ClinGen allele CA8235162.
Genomic context (GRCh38, chr16:88,840,983, plus strand): 5'-GTCCCTTGGAACCAAGGCCAGGAAGTGGATGGAGCAGGACGCCTGGGCAGGCGTGGCCAG[GAGACTTA>G]CCACTTGCCGACAATCTTGCTGACGTAGCCGGCCTTCTTCAGAAGCTCCGGCAGGAGCTG-3'